The following is an entry in ClinVar:

NM_001371279.1(REEP1):c.322G>A (p.Val108Ile)

Gene: REEP1 (receptor accessory protein 1; minus strand). Cytogenetic location: 2p11.2.
Variant type: single nucleotide variant.
Coding change: c.322G>A on transcript NM_001371279.1 (MANE Select); coding-DNA position 322, G replaced by A.
Protein change: p.Val108Ile; replaces valine 108 with isoleucine.
Molecular consequence: missense variant. On other transcripts: intron variant (1).
Genome position (GRCh38, 1-based): chr2:86,252,052, C>T on the plus strand (G>A on the coding strand, the complement: REEP1 is on the minus strand). VCF-style: chr2-86252052-C-T. GRCh37 (hg19) VCF-style: chr2-86479175-C-T.
Other names: c.343G>A, p.Val115Ile (NM_001164730.2); c.241G>A, p.Val81Ile (NM_001164731.2); c.322G>A, p.Val108Ile (NM_001371280.1, NM_022912.3); c.182+11913G>A (NM_001164732.2); short protein forms V115I, V108I, V81I.
Identifiers: ClinVar variation 534217 (VCV000534217.8), dbSNP rs1474498257, ClinGen allele CA347716453.

ClinVar aggregate classification (germline): Uncertain significance (1 of 4 stars; one submission).

Conditions:
Hereditary spastic paraplegia 31. Also called: SPASTIC PARAPLEGIA 31, AUTOSOMAL DOMINANT. Identifiers: Orphanet 101011, MedGen C1853247, MONDO:0012453, OMIM 610250.

Allele frequency attached by ClinVar (database versions not stated): gnomAD exomes below 0.00001; TOPMed below 0.00001.
gnomAD v4.1: 3 of 1,613,460 alleles (0.00019%); highest among the groups gnomAD compares: Non-Finnish European, 0.00025%; no homozygotes.

Submission:

Labcorp Genetics (formerly Invitae), Labcorp
Classification: Uncertain significance for Hereditary spastic paraplegia 31. Last evaluated: 2022-07-11. Review status: criteria provided, single submitter. Criteria: Invitae Variant Classification Sherloc (09022015). Collection method: clinical testing. Allele origin: germline.
Comment: In summary, the available evidence is currently insufficient to determine the role of this variant in disease. Therefore, it has been classified as a Variant of Uncertain Significance. Algorithms developed to predict the effect of missense changes on protein structure and function (SIFT, PolyPhen-2, Align-GVGD) all suggest that this variant is likely to be tolerated. ClinVar contains an entry for this variant (Variation ID: 534217). This variant has not been reported in the literature in individuals affected with REEP1-related conditions. This variant is present in population databases (no rsID available, gnomAD 0.0009%). This sequence change replaces valine, which is neutral and non-polar, with isoleucine, which is neutral and non-polar, at codon 108 of the REEP1 protein (p.Val108Ile).